The following is an entry in ClinVar:

NM_001378969.1(KCND3):c.1496C>G (p.Ser499Cys)

Gene: KCND3 (potassium voltage-gated channel subfamily D member 3; minus strand). Cytogenetic location: 1p13.2.
Variant type: single nucleotide variant.
Coding change: c.1496C>G on transcript NM_001378969.1 (MANE Select); coding-DNA position 1496, C replaced by G.
Protein change: p.Ser499Cys; replaces serine 499 with cysteine.
Molecular consequence: missense variant. On other transcripts: intron variant (2).
Genome position (GRCh38, 1-based): chr1:111,778,458, G>C on the plus strand (C>G on the coding strand, the complement: KCND3 is on the minus strand). VCF-style: chr1-111778458-G-C. GRCh37 (hg19) VCF-style: chr1-112321080-G-C.
Other names: c.1496C>G, p.Ser499Cys (NM_004980.5); c.1462-1185C>G (NM_001378970.1, NM_172198.3); short protein forms S499C.
Identifiers: ClinVar variation 570216 (VCV000570216.12), dbSNP rs976664434, ClinGen allele CA28898517.
Genomic context (GRCh38, chr1:111,778,458, plus strand): 5'-GAGAGAAAAACATCAATTGAATTTTTAAAAAGTTATACCTTGATGGTGGAGGTTCGTACA[G>C]ATAACAGGGGATCATCCACAAGATAGGACAACCCCTACAGGACAACATGCCAACAGAAGA-3'
Protein context (NP_001365898.1, residues 489-509): LSYLVDDPLL[Ser499Cys]VRTSTIKNHE

ClinVar aggregate classification (germline): Uncertain significance. Review status: criteria provided, multiple submitters, no conflicts (2 of 4 stars). 3 submissions from 3 submitters: Uncertain significance (3). Last evaluated 2025-10-08.

Conditions:
Spinocerebellar ataxia type 19/22 (SCA19). Also called: SPINOCEREBELLAR ATAXIA 22; SPINOCEREBELLAR ATAXIA 19. Identifiers: Orphanet 98772, MedGen C1846367, MONDO:0011819, OMIM 607346.
Brugada syndrome 9 (BRGDA9). Identifiers: Orphanet 130, MedGen C4225340, MONDO:0014621, OMIM 616399.
Cardiovascular phenotype. Identifiers: MedGen CN230736.

Allele frequency attached by ClinVar (database versions not stated): gnomAD exomes below 0.00001; TOPMed 0.00002.
gnomAD v4.1: 3 of 1,613,858 alleles (0.00019%); highest among the groups gnomAD compares: African/African-American, 0.0027%; no homozygotes.

Submissions (3):

Labcorp Genetics (formerly Invitae), Labcorp
Classification: Uncertain significance for Spinocerebellar ataxia type 19/22. Last evaluated: 2025-10-08. Review status: criteria provided, single submitter. Criteria: Invitae Variant Classification Sherloc (09022015). Collection method: clinical testing. Allele origin: germline.
Comment: This sequence change replaces serine, which is neutral and polar, with cysteine, which is neutral and slightly polar, at codon 499 of the KCND3 protein (p.Ser499Cys). This variant is present in population databases (no rsID available, gnomAD no frequency). This variant has not been reported in the literature in individuals affected with KCND3-related conditions. ClinVar contains an entry for this variant (Variation ID: 570216). Invitae Evidence Modeling of protein sequence and biophysical properties (such as structural, functional, and spatial information, amino acid conservation, physicochemical variation, residue mobility, and thermodynamic stability) indicates that this missense variant is not expected to disrupt KCND3 protein function with a negative predictive value of 95%. In summary, the available evidence is currently insufficient to determine the role of this variant in disease. Therefore, it has been classified as a Variant of Uncertain Significance.

Ambry Genetics
Classification: Uncertain significance for Cardiovascular phenotype. Last evaluated: 2024-06-18. Review status: criteria provided, single submitter. Criteria: Ambry Variant Classification Scheme 2023. Collection method: clinical testing. Allele origin: germline.
Comment: The p.S499C variant (also known as c.1496C>G), located in coding exon 5 of the KCND3 gene, results from a C to G substitution at nucleotide position 1496. The serine at codon 499 is replaced by cysteine, an amino acid with dissimilar properties. This amino acid position is conserved. In addition, the in silico prediction for this alteration is inconclusive. Based on the available evidence, the clinical significance of this variant remains unclear.

Fulgent Genetics
Classification: Uncertain significance for Spinocerebellar ataxia type 19/22; Brugada syndrome 9. Last evaluated: 2021-07-29. Review status: criteria provided, single submitter. Criteria: ACMG Guidelines, 2015. Collection method: clinical testing. Allele origin: unknown.